The following is an entry in ClinVar:

ClinVar aggregate classification (germline): Uncertain significance (1 of 4 stars; one submission).

Allele frequency attached by ClinVar (database versions not stated): gnomAD exomes below 0.00001.
gnomAD v4.1: 1 of 1,614,264 alleles (0.000062%); highest among the groups gnomAD compares: Non-Finnish European, 0.000085%; no homozygotes.

Submission:

Labcorp Genetics (formerly Invitae), Labcorp
Classification: Uncertain significance. Last evaluated: 2024-10-18. Review status: criteria provided, single submitter. Criteria: Invitae Variant Classification Sherloc (09022015). Collection method: clinical testing. Allele origin: germline.
Comment: This sequence change replaces valine, which is neutral and non-polar, with isoleucine, which is neutral and non-polar, at codon 193 of the KLF10 protein (p.Val193Ile). This variant is not present in population databases (gnomAD no frequency). This variant has not been reported in the literature in individuals affected with KLF10-related conditions. ClinVar contains an entry for this variant (Variation ID: 2046021). An algorithm developed to predict the effect of missense changes on protein structure and function outputs the following: PolyPhen-2: "Benign". The isoleucine amino acid residue is found in multiple mammalian species, which suggests that this missense change does not adversely affect protein function. In summary, the available evidence is currently insufficient to determine the role of this variant in disease. Therefore, it has been classified as a Variant of Uncertain Significance.

NM_005655.4(KLF10):c.577G>A (p.Val193Ile)

Gene: KLF10 (KLF transcription factor 10; minus strand). Cytogenetic location: 8q22.3.
Variant type: single nucleotide variant.
Coding change: c.577G>A on transcript NM_005655.4 (MANE Select); coding-DNA position 577, G replaced by A.
Protein change: p.Val193Ile; replaces valine 193 with isoleucine.
Molecular consequence: missense variant.
Genome position (GRCh38, 1-based): chr8:102,651,755, C>T on the plus strand (G>A on the coding strand, the complement: KLF10 is on the minus strand). VCF-style: chr8-102651755-C-T. GRCh37 (hg19) VCF-style: chr8-103663983-C-T.
Other names: c.544G>A, p.Val182Ile (NM_001032282.4); short protein forms V182I, V193I.
Identifiers: ClinVar variation 2046021 (VCV002046021.4), dbSNP rs2537071359, ClinGen allele CA371627947.